The following is an entry in ClinVar:

NM_001291867.2(NHS):c.1630G>T (p.Asp544Tyr)

Gene: NHS (NHS actin remodeling regulator; plus strand). Cytogenetic location: Xp22.13.
Variant type: single nucleotide variant.
Coding change: c.1630G>T on transcript NM_001291867.2 (MANE Select); coding-DNA position 1630, G replaced by T.
Protein change: p.Asp544Tyr; replaces aspartic acid 544 with tyrosine.
Molecular consequence: missense variant.
Genome position (GRCh38, 1-based): chrX:17,725,736, G>T. VCF-style: chrX-17725736-G-T. GRCh37 (hg19) VCF-style: chrX-17743856-G-T.
Other names: c.1099G>T, p.Asp367Tyr (NM_001136024.4); c.1036G>T, p.Asp346Tyr (NM_001291868.2); c.1567G>T, p.Asp523Tyr (NM_198270.4); short protein forms D523Y, D544Y, D346Y, D367Y.
Identifiers: ClinVar variation 2217081 (VCV002217081.3), dbSNP rs1260720066, ClinGen allele CA412352608.

ClinVar aggregate classification (germline): Uncertain significance. Review status: criteria provided, multiple submitters, no conflicts (2 of 4 stars). 2 submissions from 2 submitters: Uncertain significance (2). Last evaluated 2026-01-06.

Conditions:
Nance-Horan syndrome (NHS). Identifiers: Orphanet 627, MedGen C0796085, MONDO:0010545, OMIM 302350.
Inborn genetic diseases. Identifiers: MedGen C0950123, MeSH D030342.

Allele frequency attached by ClinVar (database versions not stated): gnomAD exomes below 0.00001; TOPMed 0.00001; gnomAD 0.00002.
gnomAD v4.1: 3 of 1,209,125 alleles (0.00025%); highest among the groups gnomAD compares: Non-Finnish European, 0.00034%; no homozygotes.

Submissions (2):

Labcorp Genetics (formerly Invitae), Labcorp
Classification: Uncertain significance for Nance-Horan syndrome. Last evaluated: 2026-01-06. Review status: criteria provided, single submitter. Criteria: Invitae Variant Classification Sherloc (09022015). Collection method: clinical testing. Allele origin: germline.
Comment: This sequence change replaces aspartic acid, which is acidic and polar, with tyrosine, which is neutral and polar, at codon 523 of the NHS protein (p.Asp523Tyr). This variant is present in population databases (no rsID available, gnomAD 0.01%). This variant has not been reported in the literature in individuals affected with NHS-related conditions. ClinVar contains an entry for this variant (Variation ID: 2217081). Invitae Evidence Modeling of protein sequence and biophysical properties (such as structural, functional, and spatial information, amino acid conservation, physicochemical variation, residue mobility, and thermodynamic stability) indicates that this missense variant is not expected to disrupt NHS protein function with a negative predictive value of 80%. In summary, the available evidence is currently insufficient to determine the role of this variant in disease. Therefore, it has been classified as a Variant of Uncertain Significance.

Ambry Genetics
Classification: Uncertain significance for Inborn genetic diseases. Last evaluated: 2022-11-10. Review status: criteria provided, single submitter. Criteria: Ambry Variant Classification Scheme 2023. Collection method: clinical testing. Allele origin: germline.